The following is an entry in ClinVar:

NM_001029883.3(PCARE):c.1740G>A (p.Thr580=)

Gene: PCARE (photoreceptor cilium actin regulator; minus strand). Cytogenetic location: 2p23.2.
Variant type: single nucleotide variant.
Coding change: c.1740G>A on transcript NM_001029883.3 (MANE Select); coding-DNA position 1740, G replaced by A.
Protein change: p.Thr580=; no amino-acid change (threonine 580 retained).
Molecular consequence: synonymous variant.
Genome position (GRCh38, 1-based): chr2:29,072,522, C>T on the plus strand (G>A on the coding strand, the complement: PCARE is on the minus strand). VCF-style: chr2-29072522-C-T. GRCh37 (hg19) VCF-style: chr2-29295388-C-T.
Identifiers: ClinVar variation 335654 (VCV000335654.30), dbSNP rs546110503, ClinGen allele CA1592364.

ClinVar aggregate classification (germline): Conflicting classifications of pathogenicity. Review status: criteria provided, conflicting classifications (1 of 4 stars). 3 submissions from 3 submitters: Uncertain significance (1); Likely benign (2). Last evaluated 2025-09-05.

Conditions:
Retinitis pigmentosa (RP). Identifiers: Orphanet 791, MedGen C0035334, MeSH D012174, MONDO:0019200, OMIM 268000. Inheritance: Autosomal dominant, autosomal recessive and X linked inheritance.

Allele frequency attached by ClinVar (database versions not stated): TOPMed 0.00001; gnomAD exomes 0.00002; ExAC 0.00003; gnomAD 0.00003; 1000 Genomes Project 0.00020; 1000 Genomes Project 30x 0.00031.
gnomAD v4.1: 37 of 1,614,186 alleles (0.0023%); highest among the groups gnomAD compares: South Asian, 0.0055%; no homozygotes.

Submissions (3):

Labcorp Genetics (formerly Invitae), Labcorp
Classification: Likely benign. Last evaluated: 2025-09-05. Review status: criteria provided, single submitter. Criteria: Invitae Variant Classification Sherloc (09022015). Collection method: clinical testing. Allele origin: germline.

CeGaT Center for Human Genetics Tuebingen
Classification: Likely benign. Last evaluated: 2024-01-01. Review status: criteria provided, single submitter. Criteria: CeGaT Center For Human Genetics Tuebingen Variant Classification Criteria Version 2. Collection method: clinical testing. Allele origin: germline. Affected: yes. Observed: 2 variant alleles.
Comment: PCARE: BP4, BP7

Illumina Laboratory Services, Illumina
Classification: Uncertain significance for Retinitis pigmentosa. Last evaluated: 2018-01-13. Review status: criteria provided, single submitter. Criteria: ICSL Variant Classification Criteria 13 December 2019. Collection method: clinical testing. Allele origin: germline.